The following is an entry in ClinVar:

NM_005263.5(GFI1):c.154C>T (p.Arg52Trp)

Gene: GFI1 (growth factor independent 1 transcriptional repressor; minus strand). Cytogenetic location: 1p22.1.
Variant type: single nucleotide variant.
Coding change: c.154C>T on transcript NM_005263.5 (MANE Select); coding-DNA position 154, C replaced by T.
Protein change: p.Arg52Trp; replaces arginine 52 with tryptophan.
Molecular consequence: missense variant.
Genome position (GRCh38, 1-based): chr1:92,483,008, G>A on the plus strand (C>T on the coding strand, the complement: GFI1 is on the minus strand). VCF-style: chr1-92483008-G-A. GRCh37 (hg19) VCF-style: chr1-92948565-G-A.
Other names: c.154C>T, p.Arg52Trp (NM_001127215.3, NM_001127216.3); short protein forms R52W.
Identifiers: ClinVar variation 2143146 (VCV002143146.4), dbSNP rs1405101589, ClinGen allele CA341150576.

ClinVar aggregate classification (germline): Uncertain significance (1 of 4 stars; one submission).

Conditions:
Neutropenia, severe congenital, 2, autosomal dominant. Identifiers: Orphanet 486, MedGen C2751288, MONDO:0013139, OMIM 613107.

Allele frequency attached by ClinVar (database versions not stated): gnomAD 0.00001.
gnomAD v4.1: 5 of 1,606,528 alleles (0.00031%); highest among the groups gnomAD compares: Middle Eastern, 0.017%; no homozygotes.

Submission:

Labcorp Genetics (formerly Invitae), Labcorp
Classification: Uncertain significance for Neutropenia, severe congenital, 2, autosomal dominant. Last evaluated: 2022-10-16. Review status: criteria provided, single submitter. Criteria: Invitae Variant Classification Sherloc (09022015). Collection method: clinical testing. Allele origin: germline.
Comment: This variant is not present in population databases (gnomAD no frequency). In summary, the available evidence is currently insufficient to determine the role of this variant in disease. Therefore, it has been classified as a Variant of Uncertain Significance. Advanced modeling of protein sequence and biophysical properties (such as structural, functional, and spatial information, amino acid conservation, physicochemical variation, residue mobility, and thermodynamic stability) performed at Invitae indicates that this missense variant is not expected to disrupt GFI1 protein function. This variant has not been reported in the literature in individuals affected with GFI1-related conditions. This sequence change replaces arginine, which is basic and polar, with tryptophan, which is neutral and slightly polar, at codon 52 of the GFI1 protein (p.Arg52Trp).